The following is an entry in ClinVar:

NM_006231.4(POLE):c.5717C>A (p.Ser1906Tyr)

Gene: POLE (DNA polymerase epsilon, catalytic subunit; minus strand). Cytogenetic location: 12q24.33.
Variant type: single nucleotide variant.
Coding change: c.5717C>A on transcript NM_006231.4 (MANE Select); coding-DNA position 5717, C replaced by A.
Protein change: p.Ser1906Tyr; replaces serine 1906 with tyrosine.
Molecular consequence: missense variant.
Genome position (GRCh38, 1-based): chr12:132,635,986, G>T on the plus strand (C>A on the coding strand, the complement: POLE is on the minus strand). VCF-style: chr12-132635986-G-T. GRCh37 (hg19) VCF-style: chr12-133212572-G-T.
Other names: short protein forms S1906Y.
Identifiers: ClinVar variation 1392200 (VCV001392200.8), dbSNP rs2138486619, ClinGen allele CA387373167.

ClinVar aggregate classification (germline): Uncertain significance (1 of 4 stars; one submission).

gnomAD v4.1: 1 of 1,614,004 alleles (0.000062%); no homozygotes.

Submission:

Labcorp Genetics (formerly Invitae), Labcorp
Classification: Uncertain significance. Last evaluated: 2022-09-06. Review status: criteria provided, single submitter. Criteria: Invitae Variant Classification Sherloc (09022015). Collection method: clinical testing. Allele origin: germline.
Comment: In summary, the available evidence is currently insufficient to determine the role of this variant in disease. Therefore, it has been classified as a Variant of Uncertain Significance. Algorithms developed to predict the effect of missense changes on protein structure and function are either unavailable or do not agree on the potential impact of this missense change (SIFT: "Deleterious"; PolyPhen-2: "Possibly Damaging"; Align-GVGD: "Class C15"). ClinVar contains an entry for this variant (Variation ID: 1392200). This variant has not been reported in the literature in individuals affected with POLE-related conditions. This variant is not present in population databases (gnomAD no frequency). This sequence change replaces serine, which is neutral and polar, with tyrosine, which is neutral and polar, at codon 1906 of the POLE protein (p.Ser1906Tyr).